The following is an entry in ClinVar:

NM_014362.4(HIBCH):c.716A>G (p.Asn239Ser)

Gene: HIBCH (3-hydroxyisobutyryl-CoA hydrolase; minus strand). Cytogenetic location: 2q32.2.
Variant type: single nucleotide variant.
Coding change: c.716A>G on transcript NM_014362.4 (MANE Select); coding-DNA position 716, A replaced by G.
Protein change: p.Asn239Ser; replaces asparagine 239 with serine.
Molecular consequence: missense variant.
Genome position (GRCh38, 1-based): chr2:190,249,674, T>C on the plus strand (A>G on the coding strand, the complement: HIBCH is on the minus strand). VCF-style: chr2-190249674-T-C. GRCh37 (hg19) VCF-style: chr2-191114400-T-C.
Other names: c.716A>G, p.Asn239Ser (NM_198047.3); short protein forms N239S.
Identifiers: ClinVar variation 1717490 (VCV001717490.5), dbSNP rs1370453272, ClinGen allele CA349888942.

ClinVar aggregate classification (germline): Uncertain significance (1 of 4 stars; one submission).

Conditions:
3-hydroxyisobutyryl-CoA hydrolase deficiency. Also called: Reduced circulating 3-hydroxyisobutyryl-CoA hydrolase activity; VALINE METABOLIC DEFECT; Deficiency of 3-hydroxyisobutyryl CoA hydrolase; HIBCH DEFICIENCY; METHACRYLIC ACID TOXICITY; METHACRYLIC ACIDURIA. Identifiers: Orphanet 88639, MedGen C0342738, MONDO:0009603, OMIM 250620, HP:6000215.

Allele frequency attached by ClinVar (database versions not stated): TOPMed below 0.00001; gnomAD 0.00001.
gnomAD v4.1: 1 of 1,608,274 alleles (0.000062%); highest among the groups gnomAD compares: Non-Finnish European, 0.000085%; no homozygotes.

Submission:

Labcorp Genetics (formerly Invitae), Labcorp
Classification: Uncertain significance for 3-hydroxyisobutyryl-CoA hydrolase deficiency. Last evaluated: 2024-04-11. Review status: criteria provided, single submitter. Criteria: Invitae Variant Classification Sherloc (09022015). Collection method: clinical testing. Allele origin: germline.
Comment: This sequence change replaces asparagine, which is neutral and polar, with serine, which is neutral and polar, at codon 239 of the HIBCH protein (p.Asn239Ser). This variant is not present in population databases (gnomAD no frequency). This variant has not been reported in the literature in individuals affected with HIBCH-related conditions. ClinVar contains an entry for this variant (Variation ID: 1717490). Advanced modeling of protein sequence and biophysical properties (such as structural, functional, and spatial information, amino acid conservation, physicochemical variation, residue mobility, and thermodynamic stability) performed at Invitae indicates that this missense variant is not expected to disrupt HIBCH protein function with a negative predictive value of 80%. In summary, the available evidence is currently insufficient to determine the role of this variant in disease. Therefore, it has been classified as a Variant of Uncertain Significance.